The following is an entry in ClinVar:

ClinVar aggregate classification (germline): Likely pathogenic. Review status: criteria provided, multiple submitters, no conflicts (2 of 4 stars). 3 submissions from 3 submitters: Likely pathogenic (3). Last evaluated 2024-10-11.

Conditions:
Usher syndrome type 2A. Also called: RETINAL DISEASE IN USHER SYNDROME TYPE IIA, MODIFIER OF; USHER SYNDROME, TYPE IIA. Identifiers: Orphanet 231178, Orphanet 886, MedGen C1848634, MONDO:0010169, OMIM 276901.

Allele frequency attached by ClinVar (database versions not stated): gnomAD exomes below 0.00001; ExAC 0.00001.
gnomAD v4.1: 1 of 1,610,408 alleles (0.000062%); highest among the groups gnomAD compares: South Asian, 0.0011%; no homozygotes.

Submissions (3):

Natera, Inc.
Classification: Likely pathogenic for Usher syndrome type 2A. Last evaluated: 2024-10-11. Review status: criteria provided, single submitter. Criteria: Natera Variant Classification Schema (03/2026). Collection method: clinical testing. Allele origin: germline.
Comment: The c.4987+1G>A variant in USH2A is a canonical splice donor site variant predicted to affect pre-mRNA splicing, which may result in an abnormal transcript and altered protein product. This variant is expected to result in nonsense mediated decay, truncation, or a dysfunctional protein product. This variant is rare in the general population with a frequency below the threshold expected for the associated phenotype(s). This variant has been observed in one or more individuals affected with the associated recessive disease, as either homozygous or compound heterozygous with a second variant (PMID: 36110214). Given the available evidence, this variant is classified as Likely Pathogenic.

Revvity Omics, Revvity
Classification: Likely pathogenic. Last evaluated: 2023-05-05. Review status: criteria provided, single submitter. Criteria: ACMG Guidelines, 2015. Collection method: clinical testing. Allele origin: germline.

Labcorp Genetics (formerly Invitae), Labcorp
Classification: Likely pathogenic. Last evaluated: 2023-02-22. Review status: criteria provided, single submitter. Criteria: Invitae Variant Classification Sherloc (09022015). Collection method: clinical testing. Allele origin: germline.
Comment: ClinVar contains an entry for this variant (Variation ID: 1518072). In summary, the currently available evidence indicates that the variant is pathogenic, but additional data are needed to prove that conclusively. Therefore, this variant has been classified as Likely Pathogenic. Algorithms developed to predict the effect of sequence changes on RNA splicing suggest that this variant may disrupt the consensus splice site. This variant has not been reported in the literature in individuals affected with USH2A-related conditions. This variant is present in population databases (rs768117100, gnomAD 0.006%). This sequence change affects a donor splice site in intron 24 of the USH2A gene. It is expected to disrupt RNA splicing. Variants that disrupt the donor or acceptor splice site typically lead to a loss of protein function (PMID: 16199547), and loss-of-function variants in USH2A are known to be pathogenic (PMID: 10729113, 10909849, 20507924, 25649381).

Literature cited by the submitters: PubMed 36110214 (cited by Natera, Inc.); PubMed 16199547 (cited by Labcorp Genetics (formerly Invitae), Labcorp); PubMed 10729113 (cited by Labcorp Genetics (formerly Invitae), Labcorp); PubMed 10909849 (cited by Labcorp Genetics (formerly Invitae), Labcorp); PubMed 20507924 (cited by Labcorp Genetics (formerly Invitae), Labcorp); PubMed 25649381 (cited by Labcorp Genetics (formerly Invitae), Labcorp).

NM_206933.4(USH2A):c.4987+1G>A

Genes: USH2A (usherin; minus strand), USH2A-AS2 (USH2A antisense RNA 2; plus strand). Cytogenetic location: 1q41.
Variant type: single nucleotide variant.
Coding change: c.4987+1G>A on transcript NM_206933.4 (MANE Select); the canonical splice donor site of the intron after coding-DNA position 4987, G replaced by A.
Molecular consequence: splice donor variant.
Genome position (GRCh38, 1-based): chr1:216,086,718, C>T on the plus strand (G>A on the coding strand, the complement: USH2A is on the minus strand). VCF-style: chr1-216086718-C-T. GRCh37 (hg19) VCF-style: chr1-216260060-C-T.
Other names: c.4987+1G>A (NM_206933.2, NM_206933.3).
Identifiers: ClinVar variation 1518072 (VCV001518072.9), dbSNP rs768117100, ClinGen allele CA1395578.